The following is an entry in ClinVar:

ClinVar aggregate classification (germline): Uncertain significance. Review status: criteria provided, multiple submitters, no conflicts (2 of 4 stars). 3 submissions from 3 submitters: Uncertain significance (3). Last evaluated 2025-07-21.

Conditions:
Hereditary cancer-predisposing syndrome. Also called: Tumor predisposition; Neoplastic Syndromes, Hereditary; Hereditary neoplastic syndrome; Hereditary Cancer Syndrome. Identifiers: Orphanet 140162, MedGen C0027672, MeSH D009386, MONDO:0015356.
Familial cancer of breast. Also called: hereditary breast carcinoma; BREAST CANCER, FAMILIAL; Hereditary breast cancer. Identifiers: Orphanet 227535, MedGen C0346153, MONDO:0016419, OMIM 114480. Disease mechanism: loss of function.

Allele frequency attached by ClinVar (database versions not stated): gnomAD exomes below 0.00001 and 0.00001; ExAC 0.00001.
gnomAD v4.1: 7 of 1,588,016 alleles (0.00044%); highest among the groups gnomAD compares: South Asian, 0.0077%; no homozygotes.

Submissions (3):

Ambry Genetics
Classification: Uncertain significance for Hereditary cancer-predisposing syndrome. Last evaluated: 2025-07-21. Review status: criteria provided, single submitter. Criteria: Ambry Variant Classification Scheme 2023. Collection method: clinical testing. Allele origin: germline.
Comment: The c.1543-3C>T intronic variant results from a C to T substitution 3 nucleotides upstream from coding exon 14 in the CHEK2 gene. This nucleotide position is well conserved in available vertebrate species. In silico splice site analysis predicts that this alteration will not have any significant effect on splicing. Based on the available evidence, the clinical significance of this variant remains unclear.

Labcorp Genetics (formerly Invitae), Labcorp
Classification: Uncertain significance for Familial cancer of breast. Last evaluated: 2025-03-12. Review status: criteria provided, single submitter. Criteria: Invitae Variant Classification Sherloc (09022015). Collection method: clinical testing. Allele origin: germline.
Comment: This sequence change falls in intron 14 of the CHEK2 gene. It does not directly change the encoded amino acid sequence of the CHEK2 protein. It affects a nucleotide within the consensus splice site. The frequency data for this variant in the population databases is considered unreliable, as metrics indicate poor data quality at this position in the gnomAD database. This variant has not been reported in the literature in individuals affected with CHEK2-related conditions. ClinVar contains an entry for this variant (Variation ID: 631437). Variants that disrupt the consensus splice site are a relatively common cause of aberrant splicing (PMID: 17576681, 9536098). Algorithms developed to predict the effect of sequence changes on RNA splicing suggest that this variant may disrupt the consensus splice site. In summary, the available evidence is currently insufficient to determine the role of this variant in disease. Therefore, it has been classified as a Variant of Uncertain Significance.

Color Diagnostics, LLC DBA Color Health
Classification: Uncertain significance for Hereditary cancer-predisposing syndrome. Last evaluated: 2018-11-19. Review status: criteria provided, single submitter. Criteria: ACMG Guidelines, 2015. Collection method: clinical testing. Allele origin: germline.

Literature cited by the submitters: PubMed 17576681 (cited by Labcorp Genetics (formerly Invitae), Labcorp); PubMed 9536098 (cited by Labcorp Genetics (formerly Invitae), Labcorp).

NM_007194.4(CHEK2):c.1543-3C>T

Gene: CHEK2 (checkpoint kinase 2; minus strand). Cytogenetic location: 22q12.1.
Variant type: single nucleotide variant.
Coding change: c.1543-3C>T on transcript NM_007194.4 (MANE Select); 3 bases into the intron before coding-DNA position 1543, C replaced by T.
Molecular consequence: intron variant.
Genome position (GRCh38, 1-based): chr22:28,687,989, G>A on the plus strand (C>T on the coding strand, the complement: CHEK2 is on the minus strand). VCF-style: chr22-28687989-G-A. GRCh37 (hg19) VCF-style: chr22-29083977-G-A.
Other names: c.880-3C>T (NM_001437942.1, NM_001257387.3); c.1342-3C>T (NM_001349956.3); c.1456-3C>T (NM_145862.3); c.1549-3C>T (NM_001438295.1); c.1636-3C>T (NM_001438293.1); c.1585-3C>T (NM_001438294.1); c.1672-3C>T (NM_001005735.3).
Identifiers: ClinVar variation 631437 (VCV000631437.5), dbSNP rs759366945, ClinGen allele CA10167612.